The following is an entry in ClinVar:

ClinVar aggregate classification (germline): Pathogenic (1 of 4 stars; one submission).

Submission:

Labcorp Genetics (formerly Invitae), Labcorp
Classification: Pathogenic. Last evaluated: 2022-06-27. Review status: criteria provided, single submitter. Criteria: Invitae Variant Classification Sherloc (09022015). Collection method: clinical testing. Allele origin: germline.
Comment: For these reasons, this variant has been classified as Pathogenic. This variant has not been reported in the literature in individuals affected with NFKB1-related conditions. This variant is not present in population databases (gnomAD no frequency). This sequence change creates a premature translational stop signal (p.Ala813Valfs*4) in the NFKB1 gene. It is expected to result in an absent or disrupted protein product. Loss-of-function variants in NFKB1 are known to be pathogenic (PMID: 26279205, 29477724).

Literature cited by the submitters: PubMed 26279205; PubMed 29477724.

NM_003998.4(NFKB1):c.2438del (p.Ala813fs)

Gene: NFKB1 (nuclear factor kappa B subunit 1; plus strand). Cytogenetic location: 4q24.
Variant type: Deletion.
Coding change: c.2438del on transcript NM_003998.4 (MANE Select); coding-DNA position 2438, one base deleted (C; older notation c.2438delC).
Protein change: p.Ala813fs; shifts the reading frame from alanine 813.
Molecular consequence: frameshift variant.
Genome position (GRCh38, 1-based): chr4:102,612,452, C deleted. VCF-style (leftmost placement, unchanged base first): chr4-102612451-GC-G. GRCh37 (hg19) VCF-style: chr4-103533608-GC-G.
Other names: c.2435del, p.Ala812fs (NM_001165412.2, NM_001319226.2, NM_001382627.1); c.2438del, p.Ala813fs (NM_001382625.1, NM_001382626.1); c.2396del, p.Ala799fs (NM_001382628.1); short protein forms A813fs, A799fs, A812fs.
Identifiers: ClinVar variation 2008911 (VCV002008911.4), dbSNP rs2476589597, ClinGen allele CA2580071284.